The following is an entry in ClinVar:

ClinVar aggregate classification (germline): Benign (0 of 4 stars; one submission).

Conditions:
FOXF2-related disorder. Also called: FOXF2-related condition.

Submission:

PreventionGenetics, part of Exact Sciences
Classification: Benign for FOXF2-related condition. Last evaluated: 2019-09-20. Review status: no assertion criteria provided. Collection method: clinical testing. Allele origin: germline.
Comment: This variant is classified as benign based on ACMG/AMP sequence variant interpretation guidelines (Richards et al. 2015 PMID: 25741868, with internal and published modifications).

NM_001452.2(FOXF2):c.97GCC[10] (p.Ala41_Pro42insAla)

Genes: FOXF2 (forkhead box F2; plus strand), FOXF2-DT (FOXF2 divergent transcript; minus strand). Cytogenetic location: 6p25.3.
Variant type: Microsatellite.
Coding change: c.97GCC[10] on transcript NM_001452.2 (MANE Select); ten copies in a row of the 3-base unit GCC starting at c.97; the reference has nine copies in a row; one copy, 3 bases duplicated.
Protein change: p.Ala41_Pro42insAla.
Genome position (GRCh38, 1-based): chr6:1,390,068-1,390,070, GCC duplicated; duplicating any 3 consecutive bases within chr6:1,390,042-1,390,070 gives the same sequence; the position shown is the placement nearest the transcript's 3' end. VCF-style (leftmost placement, unchanged base first): chr6-1390041-C-CCCG. GRCh37 (hg19) VCF-style: chr6-1390276-C-CCCG.
Identifiers: ClinVar variation 3055662 (VCV003055662.2), dbSNP rs747033801, ClinGen allele CA3614461.